The following is an entry in ClinVar:

GRCh38/hg38 16p11.2(chr16:29662633-30187279)x1

Genes: MAPK3 (mitogen-activated protein kinase 3; minus strand), MAZ (MYC associated zinc finger protein; plus strand), MVP (major vault protein; plus strand), MVP-DT (MVP divergent transcript; minus strand), PAGR1 (PAXIP1 associated glutamate rich protein 1; plus strand) and 92 more. Cytogenetic location: 16p11.2.
Variant type: copy number loss.
Change: copy number 1 (one copy instead of two) of chr16:29,662,633-30,187,279 (524.6 kb, GRCh38 coordinates, 1-based), cytogenetic band 16p11.2.
Identifiers: ClinVar variation 160918 (VCV000160918.1).

ClinVar aggregate classification (germline): Pathogenic (1 of 4 stars; one submission).

Submission:

ISCA site 15
Classification: Pathogenic. Last evaluated: 2011-08-12. Review status: criteria provided, single submitter. Criteria: Kaminsky et al. (Genet Med. 2011). Collection method: clinical testing. Allele origin: maternal. Affected: yes. Observed: 1 variant allele.
Comment: Copy number variation identified through the course of routine clinical cytogenomic testing in postnatal populations. Clinical assertions have been curated as described in Kaminsky et al. 2011.